The following is an entry in ClinVar:

ClinVar aggregate classification (germline): Uncertain significance (1 of 4 stars; one submission).

gnomAD v4.1: 2 of 1,100,881 alleles (0.00018%); highest among the groups gnomAD compares: Non-Finnish European, 0.00012%; no homozygotes.

Submission:

CeGaT Center for Human Genetics Tuebingen
Classification: Uncertain significance. Last evaluated: 2024-01-01. Review status: criteria provided, single submitter. Criteria: CeGaT Center For Human Genetics Tuebingen Variant Classification Criteria Version 2. Collection method: clinical testing. Allele origin: germline. Affected: yes. Observed: 1 variant allele.
Comment: SMS: PM2

NM_004595.5(SMS):c.40G>C (p.Gly14Arg)

Genes: SMS (spermine synthase; plus strand), LOC130068040 (ATAC-STARR-seq lymphoblastoid silent region 20700; plus strand). Cytogenetic location: Xp22.11.
Variant type: single nucleotide variant.
Coding change: c.40G>C on transcript NM_004595.5 (MANE Select); coding-DNA position 40, G replaced by C.
Protein change: p.Gly14Arg; replaces glycine 14 with arginine.
Molecular consequence: missense variant.
Genome position (GRCh38, 1-based): chrX:21,940,864, G>C. VCF-style: chrX-21940864-G-C. GRCh37 (hg19) VCF-style: chrX-21958982-G-C.
Other names: c.40G>C, p.Gly14Arg (NM_001258423.2); short protein forms G14R.
Identifiers: ClinVar variation 3025670 (VCV003025670.22), dbSNP rs1224045759, ClinGen allele CA412567042.
Genomic context (GRCh38, chrX:21,940,864, plus strand): 5'-GGCACAGGGCCTCGCCTCACTATGGCAGCAGCACGGCACAGCACGCTCGACTTCATGCTC[G>C]GCGCCAAAGGTGAGGGCGCCCGCCGCCACCTGCGTGGCCATCCCCGCCGCTCCCGCCGCC-3'
Protein context (NP_004586.2, residues 4-24): ARHSTLDFML[Gly14Arg]AKADGETILK